The following is an entry in ClinVar:

NM_005491.5(MAMLD1):c.1656G>A (p.Pro552=)

Gene: MAMLD1 (mastermind like domain containing 1; plus strand). Cytogenetic location: Xq28.
Variant type: single nucleotide variant.
Coding change: c.1656G>A on transcript NM_005491.5 (MANE Select); coding-DNA position 1656, G replaced by A.
Protein change: p.Pro552=; no amino-acid change (proline 552 retained).
Molecular consequence: synonymous variant.
Genome position (GRCh38, 1-based): chrX:150,471,229, G>A. VCF-style: chrX-150471229-G-A. GRCh37 (hg19) VCF-style: chrX-149639501-G-A.
Other names: c.1581G>A, p.Pro527= (NM_001177465.3, NM_001177466.3, NM_001400514.1); c.1656G>A, p.Pro552= (NM_001400512.1, NM_001400513.1, NM_001400515.1).
Identifiers: ClinVar variation 2957037 (VCV002957037.4), dbSNP rs1460185195, ClinGen allele CA519179660.

ClinVar aggregate classification (germline): Uncertain significance (1 of 4 stars; one submission).

Allele frequency attached by ClinVar (database versions not stated): gnomAD 0.00002; gnomAD exomes 0.00002; TOPMed 0.00002.
gnomAD v4.1: 19 of 1,209,753 alleles (0.0016%); highest among the groups gnomAD compares: East Asian, 0.033%; no homozygotes.

Submissions (4):

Labcorp Genetics (formerly Invitae), Labcorp
Classification: Uncertain significance. Last evaluated: 2024-01-12. Review status: criteria provided, single submitter. Criteria: Invitae Variant Classification Sherloc (09022015). Collection method: clinical testing. Allele origin: germline.
Comment: This sequence change affects codon 552 of the MAMLD1 mRNA. It is a 'silent' change, meaning that it does not change the encoded amino acid sequence of the MAMLD1 protein. This variant is not present in population databases (gnomAD no frequency). This variant has not been reported in the literature in individuals affected with MAMLD1-related conditions. Algorithms developed to predict the effect of sequence changes on RNA splicing suggest that this variant may create or strengthen a splice site. In summary, the available evidence is currently insufficient to determine the role of this variant in disease. Therefore, it has been classified as a Variant of Uncertain Significance.

Dr. Peter K. Rogan Lab, Western University
No classification provided (evidence only). Condition: Colon adenocarcinoma. Review status: no classification provided. Collection method: in vitro. Allele origin: not applicable. Functional consequence: retained intron. Not counted in ClinVar's aggregate classification.

Dr. Peter K. Rogan Lab, Western University
No classification provided (evidence only). Condition: Thyroid cancer, nonmedullary, 1. Review status: no classification provided. Collection method: in vitro. Allele origin: not applicable. Functional consequence: retained intron. Not counted in ClinVar's aggregate classification.

Dr. Peter K. Rogan Lab, Western University
No classification provided (evidence only). Condition: Thyroid cancer, nonmedullary, 1. Review status: no classification provided. Collection method: in vitro. Allele origin: not applicable. Functional consequence: retained intron. Not counted in ClinVar's aggregate classification.